The following is an entry in ClinVar:

NM_003632.3(CNTNAP1):c.1574G>A (p.Arg525Gln)

Gene: CNTNAP1 (contactin associated protein 1; plus strand). Cytogenetic location: 17q21.2.
Variant type: single nucleotide variant.
Coding change: c.1574G>A on transcript NM_003632.3 (MANE Select); coding-DNA position 1574, G replaced by A.
Protein change: p.Arg525Gln; replaces arginine 525 with glutamine.
Molecular consequence: missense variant.
Genome position (GRCh38, 1-based): chr17:42,688,993, G>A. VCF-style: chr17-42688993-G-A. GRCh37 (hg19) VCF-style: chr17-40841011-G-A.
Other names: short protein forms R525Q.
Identifiers: ClinVar variation 2647799 (VCV002647799.24), dbSNP rs773195711, ClinGen allele CA8581821.

ClinVar aggregate classification (germline): Likely benign (1 of 4 stars; one submission).

Allele frequency attached by ClinVar (database versions not stated): ExAC 0.00002; gnomAD exomes 0.00002; TOPMed 0.00002; gnomAD 0.00003.
gnomAD v4.1: 39 of 1,611,532 alleles (0.0024%); highest among the groups gnomAD compares: Middle Eastern, 0.016%; no homozygotes.

Submission:

CeGaT Center for Human Genetics Tuebingen
Classification: Likely benign. Last evaluated: 2024-05-01. Review status: criteria provided, single submitter. Criteria: CeGaT Center For Human Genetics Tuebingen Variant Classification Criteria Version 2. Collection method: clinical testing. Allele origin: germline. Affected: yes. Observed: 2 variant alleles.
Comment: CNTNAP1: BP4